The following is an entry in ClinVar:

ClinVar aggregate classification (germline): Uncertain significance. Review status: criteria provided, multiple submitters, no conflicts (2 of 4 stars). 2 submissions from 2 submitters: Uncertain significance (2). Last evaluated 2025-03-12.

Conditions:
Coffin-Siris syndrome 12. Identifiers: MedGen C5444111, MONDO:0025699, OMIM 619325.

Allele frequency attached by ClinVar (database versions not stated): gnomAD exomes below 0.00001.
gnomAD v4.1: 1 of 1,518,096 alleles (0.000066%); no homozygotes.

Submissions (2):

Clinical Genomics Laboratory, Washington University in St. Louis
Classification: Uncertain significance for Coffin-Siris syndrome 12. Last evaluated: 2025-03-12. Review status: criteria provided, single submitter. Criteria: ACMG Guidelines, 2015. Collection method: clinical testing. Allele origin: germline.
Comment: The BICRA c.2908A>G (p.Ile970Val) variant, to our knowledge, has not been reported in the medical literature but has been reported in the ClinVar database as a germline variant of uncertain significance by one submitter. This variant is absent from the general population (gnomAD v.2.1.1), indicating it is not a common variant. This variant occurs in a disordered region that is not well conserved across species and is not constrained for missense variation. Additionally, computational predictors suggest that the variant does not impact BICRA function. Due to limited information, and based on ACMG/AMP guidelines for variant interpretation (Richards S et al., PMID: 25741868), the clinical significance of this variant is uncertain at this time.

GeneDx
Classification: Uncertain significance. Last evaluated: 2021-04-01. Review status: criteria provided, single submitter. Criteria: GeneDx Variant Classification Process June 2021. Collection method: clinical testing. Allele origin: germline. Affected: yes.
Comment: Not observed in large population cohorts (Lek et al., 2016); In silico analysis supports that this missense variant does not alter protein structure/function; Has not been previously published as pathogenic or benign to our knowledge

NM_001394372.1(BICRA):c.2908A>G (p.Ile970Val)

Gene: BICRA (BRD4 interacting chromatin remodeling complex associated protein; plus strand). Cytogenetic location: 19q13.33.
Variant type: single nucleotide variant.
Coding change: c.2908A>G on transcript NM_001394372.1 (MANE Select); coding-DNA position 2908, A replaced by G.
Protein change: p.Ile970Val; replaces isoleucine 970 with valine.
Molecular consequence: missense variant.
Genome position (GRCh38, 1-based): chr19:47,694,912, A>G. VCF-style: chr19-47694912-A-G. GRCh37 (hg19) VCF-style: chr19-48198169-A-G.
Other names: c.2908A>G, p.Ile970Val (NM_015711.3); short protein forms I970V.
Identifiers: ClinVar variation 1317446 (VCV001317446.3), dbSNP rs2123607288, ClinGen allele CA406621373.
Genomic context (GRCh38, chr19:47,694,912, plus strand): 5'-ACACCTAGCCTATGTTCCCCACCCCTCATCCACCTGTCCCCTCCTCAGGTGCCGTCCGGA[A>G]TCATCCTCCAGAACAAGGCTGGGGGGGCCCCTGCCGCCCCGCAGACCTCCACCAGCCTGG-3'
Protein context (NP_001381301.1, residues 960-980): LERFHQVPSG[Ile970Val]ILQNKAGGAP